The following is an entry in ClinVar:

ClinVar aggregate classification (germline): Uncertain significance (1 of 4 stars; one submission).

Conditions:
Epileptic encephalopathy. Identifiers: MedGen C0543888, HP:0200134.

Allele frequency attached by ClinVar (database versions not stated): gnomAD exomes below 0.00001.
gnomAD v4.1: 1 of 1,611,718 alleles (0.000062%); highest among the groups gnomAD compares: Non-Finnish European, 0.000085%; no homozygotes.

Submission:

Labcorp Genetics (formerly Invitae), Labcorp
Classification: Uncertain significance for Epileptic encephalopathy. Last evaluated: 2021-10-15. Review status: criteria provided, single submitter. Criteria: Invitae Variant Classification Sherloc (09022015). Collection method: clinical testing. Allele origin: germline.
Comment: This sequence change replaces aspartic acid with histidine at codon 1418 of the FASN protein (p.Asp1418His). The aspartic acid residue is weakly conserved and there is a moderate physicochemical difference between aspartic acid and histidine. This variant is not present in population databases (ExAC no frequency). This variant has not been reported in the literature in individuals affected with FASN-related conditions. Algorithms developed to predict the effect of missense changes on protein structure and function are either unavailable or do not agree on the potential impact of this missense change (SIFT: "Deleterious"; PolyPhen-2: "Possibly Damaging"; Align-GVGD: "Class C0"). In summary, the available evidence is currently insufficient to determine the role of this variant in disease. Therefore, it has been classified as a Variant of Uncertain Significance.

NM_004104.5(FASN):c.4252G>C (p.Asp1418His)

Gene: FASN (fatty acid synthase; minus strand). Cytogenetic location: 17q25.3.
Variant type: single nucleotide variant.
Coding change: c.4252G>C on transcript NM_004104.5 (MANE Select); coding-DNA position 4252, G replaced by C.
Protein change: p.Asp1418His; replaces aspartic acid 1418 with histidine.
Molecular consequence: missense variant.
Genome position (GRCh38, 1-based): chr17:82,085,273, C>G on the plus strand (G>C on the coding strand, the complement: FASN is on the minus strand). VCF-style: chr17-82085273-C-G. GRCh37 (hg19) VCF-style: chr17-80043149-C-G.
Other names: short protein forms D1418H.
Identifiers: ClinVar variation 1482489 (VCV001482489.6), dbSNP rs2144789760, ClinGen allele CA401548348.